The following is an entry in ClinVar:

ClinVar aggregate classification (germline): Conflicting classifications of pathogenicity. Review status: criteria provided, conflicting classifications (1 of 4 stars). 7 submissions from 7 submitters: Uncertain significance (4); Likely benign (2). 1 of the submissions does not count toward it. Last evaluated 2026-07-01.

Conditions:
KPTN-related disorder. Also called: KPTN-related condition. Identifiers: MedGen CN381532.
Inborn genetic diseases. Identifiers: MedGen C0950123, MeSH D030342.
Macrocephaly-developmental delay syndrome (MRT41). Also called: INTELLECTUAL DEVELOPMENTAL DISORDER, AUTOSOMAL RECESSIVE 41. Identifiers: Orphanet 397612, MedGen C3810225, MONDO:0014289, OMIM 615637.

Allele frequency attached by ClinVar (database versions not stated): 1000 Genomes Project 30x 0.00031; 1000 Genomes Project 0.00040; gnomAD 0.00109 and 0.00110; ESP Exome Variant Server 0.00115; ExAC 0.00132; TOPMed 0.00137.
gnomAD v4.1: 1,954 of 1,613,730 alleles (0.12%); highest among the groups gnomAD compares: Middle Eastern, 0.92%; 2 homozygotes.

Submissions (7):

CeGaT Center for Human Genetics Tuebingen
Classification: Likely benign. Last evaluated: 2026-07-01. Review status: criteria provided, single submitter. Criteria: CeGaT Center For Human Genetics Tuebingen Variant Classification Criteria Version 2. Collection method: clinical testing. Allele origin: germline. Affected: yes. Observed: 10 variant alleles.
Comment: KPTN: BS2

Labcorp Genetics (formerly Invitae), Labcorp
Classification: Uncertain significance for Macrocephaly-developmental delay syndrome. Last evaluated: 2022-11-01. Review status: criteria provided, single submitter. Criteria: Invitae Variant Classification Sherloc (09022015). Collection method: clinical testing. Allele origin: germline.
Comment: This sequence change replaces arginine, which is basic and polar, with glutamine, which is neutral and polar, at codon 63 of the KPTN protein (p.Arg63Gln). This variant is present in population databases (rs142867197, gnomAD 0.2%), and has an allele count higher than expected for a pathogenic variant. This variant has not been reported in the literature in individuals affected with KPTN-related conditions. ClinVar contains an entry for this variant (Variation ID: 252672). Advanced modeling of protein sequence and biophysical properties (such as structural, functional, and spatial information, amino acid conservation, physicochemical variation, residue mobility, and thermodynamic stability) performed at Invitae indicates that this missense variant is not expected to disrupt KPTN protein function. In summary, the available evidence is currently insufficient to determine the role of this variant in disease. Therefore, it has been classified as a Variant of Uncertain Significance.

Ambry Genetics
Classification: Likely benign for Inborn genetic diseases. Last evaluated: 2022-06-03. Review status: criteria provided, single submitter. Criteria: Ambry Variant Classification Scheme 2023. Collection method: clinical testing. Allele origin: germline.

Center for Pediatric Genomic Medicine, Children's Mercy Hospital and Clinics
Classification: Uncertain significance. Last evaluated: 2017-05-19. Review status: criteria provided, single submitter. Criteria: ACMG Guidelines, 2015. Collection method: clinical testing. Allele origin: germline.

Genetic Services Laboratory, University of Chicago
Classification: Uncertain significance. Last evaluated: 2017-05-01. Review status: criteria provided, single submitter. Criteria: ACMG Guidelines, 2015. Collection method: clinical testing. Allele origin: germline. Affected: no.

Genomic Diagnostic Laboratory, Division of Genomic Diagnostics, Children's Hospital of Philadelphia
Classification: Uncertain significance. Last evaluated: 2015-10-31. Review status: criteria provided, single submitter. Criteria: DGD Variant Analysis Guidelines. Collection method: clinical testing. Allele origin: unknown.

PreventionGenetics, part of Exact Sciences
Classification: Likely benign for KPTN-related condition. Last evaluated: 2022-02-10. Review status: no assertion criteria provided. Collection method: clinical testing. Allele origin: germline. Not counted in ClinVar's aggregate classification.
Comment: This variant is classified as likely benign based on ACMG/AMP sequence variant interpretation guidelines (Richards et al. 2015 PMID: 25741868, with internal and published modifications).

NM_007059.4(KPTN):c.188G>A (p.Arg63Gln)

Gene: KPTN (kaptin, actin binding protein; minus strand). Cytogenetic location: 19q13.32.
Variant type: single nucleotide variant.
Coding change: c.188G>A on transcript NM_007059.4 (MANE Select); coding-DNA position 188, G replaced by A.
Protein change: p.Arg63Gln; replaces arginine 63 with glutamine.
Molecular consequence: missense variant. On other transcripts: non-coding transcript variant (1).
Genome position (GRCh38, 1-based): chr19:47,483,973, C>T on the plus strand (G>A on the coding strand, the complement: KPTN is on the minus strand). VCF-style: chr19-47483973-C-T. GRCh37 (hg19) VCF-style: chr19-47987230-C-T.
Other names: c.188G>A, p.Arg63Gln (NM_001291296.2); short protein forms R63Q.
Identifiers: ClinVar variation 252672 (VCV000252672.53), dbSNP rs142867197, ClinGen allele CA9540539.